The following is an entry in ClinVar:

NC_000001.11:g.230710559C>T

Gene: AGT (angiotensinogen; minus strand). Cytogenetic location: 1q42.2.
Variant type: single nucleotide variant.
Genome position: GRCh38 VCF-style: chr1-230710559-C-T. GRCh37 (hg19) VCF-style: chr1-230846305-C-T.
Other names: NM_000029.3:c.292G>A; NM_000029.4:c.292G>A; p.Glu98Lys.
Identifiers: ClinVar variation 785955 (VCV000785955.12), dbSNP rs11568032, ClinGen allele CA1448339.

ClinVar aggregate classification (germline): Benign/Likely benign. Review status: criteria provided, multiple submitters, no conflicts (2 of 4 stars). 3 submissions from 3 submitters: Benign (1); Likely benign (1). 1 of the submissions does not count toward it. Last evaluated 2025-10-22.

Conditions:
AGT-related disorder. Also called: AGT-related condition.

Allele frequency attached by ClinVar (database versions not stated): gnomAD exomes 0.00042 and 0.00103; ExAC 0.00128; 1000 Genomes Project 0.00339; 1000 Genomes Project 30x 0.00375; gnomAD 0.00454 and 0.00493; ESP Exome Variant Server 0.00477; TOPMed 0.00496.
gnomAD v4.1: 1,313 of 1,614,246 alleles (0.081%); highest among the groups gnomAD compares: African/African-American, 1.6%; 7 homozygotes.

Submissions (3):

Labcorp Genetics (formerly Invitae), Labcorp
Classification: Benign. Last evaluated: 2025-10-22. Review status: criteria provided, single submitter. Criteria: Invitae Variant Classification Sherloc (09022015). Collection method: clinical testing. Allele origin: germline.

Mayo Clinic Laboratories, Mayo Clinic
Classification: Likely benign. Last evaluated: 2025-06-19. Review status: criteria provided, single submitter. Criteria: ACMG Guidelines, 2015. Collection method: clinical testing. Allele origin: germline. Observed: 1 variant allele.
Comment: BS1, BP4_moderate

PreventionGenetics, part of Exact Sciences
Classification: Benign for AGT-related condition. Last evaluated: 2019-07-23. Review status: no assertion criteria provided. Collection method: clinical testing. Allele origin: germline. Not counted in ClinVar's aggregate classification.
Comment: This variant is classified as benign based on ACMG/AMP sequence variant interpretation guidelines (Richards et al. 2015 PMID: 25741868, with internal and published modifications).